The following is an entry in ClinVar:

ClinVar aggregate classification (germline): Pathogenic/Likely pathogenic. Review status: criteria provided, multiple submitters, no conflicts (2 of 4 stars). 2 submissions from 2 submitters: Pathogenic (1); Likely pathogenic (1). Last evaluated 2026-01-18.

Conditions:
Mucopolysaccharidosis, MPS-IV-B (MPS4B). Also called: MORQUIO SYNDROME B; Mucopolysaccharidosis Type IVB (Morquio B Disease); Mucopolysaccharidosis type IV B; Mucopolysaccharidosis Type IVB; Mucopolysaccharidosis type 4B; Mucopolysaccharidosis type IVB (Morquio). Identifiers: Orphanet 309310, Orphanet 582, MedGen C0086652, MONDO:0009660, OMIM 253010.
GM1 gangliosidosis. Identifiers: Orphanet 354, MedGen C0085131, MONDO:0018149.

Submissions (2):

Labcorp Genetics (formerly Invitae), Labcorp
Classification: Pathogenic for Mucopolysaccharidosis, MPS-IV-B; GM1 gangliosidosis. Last evaluated: 2026-01-18. Review status: criteria provided, single submitter. Criteria: Invitae Variant Classification Sherloc (09022015). Collection method: clinical testing. Allele origin: germline.
Comment: This sequence change creates a premature translational stop signal (p.Gly467Glufs*26) in the GLB1 gene. It is expected to result in an absent or disrupted protein product. Loss-of-function variants in GLB1 are known to be pathogenic (PMID: 18524657). This variant is not present in population databases (gnomAD no frequency). This variant has not been reported in the literature in individuals affected with GLB1-related conditions. ClinVar contains an entry for this variant (Variation ID: 2089127). For these reasons, this variant has been classified as Pathogenic.

Natera, Inc.
Classification: Likely pathogenic for Mucopolysaccharidosis, MPS-IV-B. Last evaluated: 2025-07-24. Review status: criteria provided, single submitter. Criteria: Natera Variant Classification Schema (03/2026). Collection method: clinical testing. Allele origin: germline.
Comment: The c.1398_1399del variant in GLB1 is a frameshift variant predicted to shift the reading frame beginning at codon 467 and leads to a stop codon 26 codons downstream. This variant is expected to result in nonsense mediated decay, truncation, or a dysfunctional protein product. This variant is rare in the general population with a frequency below the threshold expected for the associated phenotype(s). Given the available evidence, this variant is classified as Likely Pathogenic.

Literature cited by the submitters: PubMed 18524657 (cited by Labcorp Genetics (formerly Invitae), Labcorp).

NM_000404.4(GLB1):c.1398_1399del (p.Gly467fs)

Gene: GLB1 (galactosidase beta 1; minus strand). Cytogenetic location: 3p22.3.
Variant type: Deletion.
Coding change: c.1398_1399del on transcript NM_000404.4 (MANE Select); coding-DNA positions 1398 to 1399, 2 bases deleted (AG; older notation c.1398_1399delAG).
Protein change: p.Gly467fs; shifts the reading frame from glycine 467.
Molecular consequence: frameshift variant.
Genome position (GRCh38, 1-based): chr3:33,016,789-33,016,790, CT deleted on the plus strand (AG on the coding strand, the reverse complement: GLB1 is on the minus strand). VCF-style (leftmost placement, unchanged base first): chr3-33016788-CCT-C. GRCh37 (hg19) VCF-style: chr3-33058280-CCT-C.
Other names: c.1398_1399del (NM_000404.3); c.1308_1309del, p.Gly437fs (NM_001079811.3); c.1005_1006del, p.Gly336fs (NM_001135602.3); c.1542_1543del, p.Gly515fs (NM_001317040.2); c.1398_1399del, p.Gly467fs (NM_001393580.1); short protein forms G336fs, G467fs, G515fs, G437fs.
Identifiers: ClinVar variation 2089127 (VCV002089127.5), dbSNP rs2471255806, ClinGen allele CA2580069258.